The following is an entry in ClinVar:

ClinVar aggregate classification (germline): Likely benign (1 of 4 stars; one submission).

Conditions:
GANAB-related disorder. Also called: GANAB-related condition.

Submission:

PreventionGenetics, part of Exact Sciences
Classification: Likely benign for GANAB-related condition. Last evaluated: 2026-03-02. Review status: criteria provided, single submitter. Criteria: ACMG Guidelines, 2015. Collection method: clinical testing. Allele origin: germline.
Comment: This variant is classified as likely benign based on ACMG/AMP sequence variant interpretation guidelines (Richards et al. 2015 PMID: 25741868, with internal and published modifications).

NM_198334.3(GANAB):c.560+441C>T

Gene: GANAB (glucosidase II alpha subunit; minus strand). Cytogenetic location: 11q12.3.
Variant type: single nucleotide variant.
Coding change: c.560+441C>T on transcript NM_198334.3 (MANE Select); 441 bases into the intron after coding-DNA position 560, C replaced by T.
Molecular consequence: intron variant.
Genome position (GRCh38, 1-based): chr11:62,634,380, G>A on the plus strand (C>T on the coding strand, the complement: GANAB is on the minus strand). VCF-style: chr11-62634380-G-A. GRCh37 (hg19) VCF-style: chr11-62401852-G-A.
Other names: c.218+441C>T (NM_001278193.2); c.219-5C>T (NM_001278192.2); c.269+441C>T (NM_001329223.2, NM_001278194.2, NM_001329222.2); c.-217+441C>T (NM_001329225.2, NM_001329224.2); c.561-5C>T (NM_198335.4).
Identifiers: ClinVar variation 4992039 (VCV004992039.1).